The following is an entry in ClinVar:

NM_000257.4(MYH7):c.1870T>C (p.Tyr624His)

Gene: MYH7 (myosin heavy chain 7; minus strand). Cytogenetic location: 14q11.2.
Variant type: single nucleotide variant.
Coding change: c.1870T>C on transcript NM_000257.4 (MANE Select); coding-DNA position 1870, T replaced by C.
Protein change: p.Tyr624His; replaces tyrosine 624 with histidine.
Molecular consequence: missense variant.
Genome position (GRCh38, 1-based): chr14:23,427,603, A>G on the plus strand (T>C on the coding strand, the complement: MYH7 is on the minus strand). VCF-style: chr14-23427603-A-G. GRCh37 (hg19) VCF-style: chr14-23896812-A-G.
Other names: c.1870T>C, p.Tyr624His (NM_001407004.1); short protein forms Y624H.
Identifiers: ClinVar variation 3230899 (VCV003230899.3), dbSNP rs1555338113, ClinGen allele CA389049646.

ClinVar aggregate classification (germline): Uncertain significance. Review status: criteria provided, multiple submitters, no conflicts (2 of 4 stars). 2 submissions from 2 submitters: Uncertain significance (2). Last evaluated 2024-05-06.

Conditions:
Cardiovascular phenotype. Identifiers: MedGen CN230736.
Hypertrophic cardiomyopathy. Also called: HYPERTROPHIC MYOCARDIOPATHY. Identifiers: Orphanet 217569, MedGen C0007194, MeSH D002312, MONDO:0005045, HP:0001639.

Allele frequency attached by ClinVar (database versions not stated): gnomAD exomes below 0.00001.
gnomAD v4.1: 1 of 1,614,152 alleles (0.000062%); highest among the groups gnomAD compares: South Asian, 0.0011%; no homozygotes.

Submissions (2):

Labcorp Genetics (formerly Invitae), Labcorp
Classification: Uncertain significance for Hypertrophic cardiomyopathy. Last evaluated: 2024-05-06. Review status: criteria provided, single submitter. Criteria: Invitae Variant Classification Sherloc (09022015). Collection method: clinical testing. Allele origin: germline.
Comment: This sequence change replaces tyrosine, which is neutral and polar, with histidine, which is basic and polar, at codon 624 of the MYH7 protein (p.Tyr624His). This variant is not present in population databases (gnomAD no frequency). This variant has not been reported in the literature in individuals affected with MYH7-related conditions. Advanced modeling of protein sequence and biophysical properties (such as structural, functional, and spatial information, amino acid conservation, physicochemical variation, residue mobility, and thermodynamic stability) performed at Invitae indicates that this missense variant is expected to disrupt MYH7 protein function with a positive predictive value of 95%. In summary, the available evidence is currently insufficient to determine the role of this variant in disease. Therefore, it has been classified as a Variant of Uncertain Significance.

Ambry Genetics
Classification: Uncertain significance for Cardiovascular phenotype. Last evaluated: 2024-01-24. Review status: criteria provided, single submitter. Criteria: Ambry Variant Classification Scheme 2023. Collection method: clinical testing. Allele origin: germline.
Comment: The p.Y624H variant (also known as c.1870T>C), located in coding exon 14 of the MYH7 gene, results from a T to C substitution at nucleotide position 1870. The tyrosine at codon 624 is replaced by histidine, an amino acid with similar properties. This alteration is located in the myosin head domain, which contains a statistically significant clustering of pathogenic missense variants (Homburger JR et al. Proc Natl Acad Sci U S A, 2016 06;113:6701-6; Walsh R et al. Genet Med, 2017 02;19:192-203; Ambry internal data). This amino acid position is highly conserved in available vertebrate species. In addition, the in silico prediction for this alteration is inconclusive. Based on the available evidence, the clinical significance of this alteration remains unclear.